The following is an entry in ClinVar:

ClinVar aggregate classification (germline): Uncertain significance (1 of 4 stars; one submission).

Conditions:
Charcot-Marie-Tooth disease type 2. Also called: Charcot-Marie-Tooth type 2. Identifiers: Orphanet 64746, MedGen C0270914, MONDO:0018993.

Submission:

Labcorp Genetics (formerly Invitae), Labcorp
Classification: Uncertain significance for Charcot-Marie-Tooth disease type 2. Last evaluated: 2020-03-23. Review status: criteria provided, single submitter. Criteria: Invitae Variant Classification Sherloc (09022015). Collection method: clinical testing. Allele origin: germline.
Comment: This variant, c.292_294del, results in the deletion of 1 amino acid(s) of the AARS protein (p.Phe98del), but otherwise preserves the integrity of the reading frame. In summary, the available evidence is currently insufficient to determine the role of this variant in disease. Therefore, it has been classified as a Variant of Uncertain Significance. Experimental studies and prediction algorithms are not available or were not evaluated, and the functional significance of this variant is currently unknown. This variant has not been reported in the literature in individuals with AARS-related conditions. This variant is present in population databases (rs773602581, ExAC 0.01%).

NM_001605.3(AARS1):c.289TTC[1] (p.Phe98del)

Gene: AARS1 (alanyl-tRNA synthetase 1; minus strand). Cytogenetic location: 16q22.1.
Variant type: Microsatellite.
Coding change: c.289TTC[1] on transcript NM_001605.3 (MANE Select); one copy of the 3-base unit TTC starting at c.289; the reference has two copies in a row; one copy, 3 bases deleted.
Protein change: p.Phe98del; deletes phenylalanine 98.
Molecular consequence: inframe deletion.
Genome position (GRCh38, 1-based): chr16:70,277,005-70,277,007, GAA deleted on the plus strand (TTC on the coding strand, the reverse complement: AARS1 is on the minus strand); deleting any 3 consecutive bases within chr16:70,277,005-70,277,011 gives the same sequence; the position shown is the placement nearest the transcript's 3' end. VCF-style (leftmost placement, unchanged base first): chr16-70277004-CGAA-C. GRCh37 (hg19) VCF-style: chr16-70310907-CGAA-C.
Other names: short protein forms F98del.
Identifiers: ClinVar variation 1042348 (VCV001042348.8), dbSNP rs773602581, ClinGen allele CA8141174.